The following is an entry in ClinVar:

NM_001194998.2(CEP152):c.2777A>T (p.Glu926Val)

Gene: CEP152 (centrosomal protein 152; minus strand). Cytogenetic location: 15q21.1.
Variant type: single nucleotide variant.
Coding change: c.2777A>T on transcript NM_001194998.2 (MANE Select); coding-DNA position 2777, A replaced by T.
Protein change: p.Glu926Val; replaces glutamic acid 926 with valine.
Molecular consequence: missense variant.
Genome position (GRCh38, 1-based): chr15:48,756,471, T>A on the plus strand (A>T on the coding strand, the complement: CEP152 is on the minus strand). VCF-style: chr15-48756471-T-A. GRCh37 (hg19) VCF-style: chr15-49048668-T-A.
Other names: c.2777A>T, p.Glu926Val (NM_014985.4); short protein forms E926V.
Identifiers: ClinVar variation 158246 (VCV000158246.23), dbSNP rs117557829, ClinGen allele CA211038.

ClinVar aggregate classification (germline): Conflicting classifications of pathogenicity. Review status: criteria provided, conflicting classifications (1 of 4 stars). 6 submissions from 5 submitters: Uncertain significance (1); Likely benign (4). 1 of the submissions does not count toward it. Last evaluated 2026-07-01.

Conditions:
CEP152-related disorder. Also called: CEP152-related disorders; CEP152-related condition. Identifiers: MedGen CN239248.
Microcephaly 9, primary, autosomal recessive. Identifiers: Orphanet 2512, MedGen C3553886, MONDO:0013923, OMIM 614852.
Seckel syndrome 5 (SCKL5). Identifiers: Orphanet 808, MedGen C3151187, MONDO:0013443, OMIM 613823.

Allele frequency attached by ClinVar (database versions not stated): gnomAD 0.00014 and 0.00025; TOPMed 0.00029; gnomAD exomes 0.00032 and 0.00058; ExAC 0.00063; 1000 Genomes Project 30x 0.00078; 1000 Genomes Project 0.00100.
gnomAD v4.1: 487 of 1,613,424 alleles (0.03%); highest among the groups gnomAD compares: East Asian, 1.1%; 8 homozygotes.

Submissions (7):

CeGaT Center for Human Genetics Tuebingen
Classification: Likely benign. Last evaluated: 2026-07-01. Review status: criteria provided, single submitter. Criteria: CeGaT Center For Human Genetics Tuebingen Variant Classification Criteria Version 2. Collection method: clinical testing. Allele origin: germline. Affected: yes. Observed: 1 variant allele.
Comment: CEP152: BP4, BS1

Labcorp Genetics (formerly Invitae), Labcorp
Classification: Likely benign. Last evaluated: 2026-01-19. Review status: criteria provided, single submitter. Criteria: Invitae Variant Classification Sherloc (09022015). Collection method: clinical testing. Allele origin: germline.

Illumina Laboratory Services, Illumina
Classification: Likely benign for Microcephaly 9, primary, autosomal recessive. Last evaluated: 2018-01-13. Review status: criteria provided, single submitter. Criteria: ICSL Variant Classification Criteria 13 December 2019. Collection method: clinical testing. Allele origin: germline.
Comment: This variant was observed in the ICSL laboratory as part of a predisposition screen in an ostensibly healthy population. It had not been previously curated by ICSL or reported in the Human Gene Mutation Database (HGMD: prior to June 1st, 2018), and was therefore a candidate for classification through an automated scoring system. Utilizing variant allele frequency, disease prevalence and penetrance estimates, and inheritance mode, an automated score was calculated to assess if this variant is too frequent to cause the disease. Based on the score and internal cut-off values, a variant classified as likely benign is not then subjected to further curation. The score for this variant resulted in a classification of likely benign for this disease.

Illumina Laboratory Services, Illumina
Classification: Likely benign for Seckel syndrome 5. Last evaluated: 2018-01-13. Review status: criteria provided, single submitter. Criteria: ICSL Variant Classification Criteria 13 December 2019. Collection method: clinical testing. Allele origin: germline.
Comment: the same text as in the submission from Illumina Laboratory Services, Illumina above.

Genetic Services Laboratory, University of Chicago
Classification: Uncertain significance for Microcephaly 9, primary, autosomal recessive. Last evaluated: 2013-02-08. Review status: criteria provided, single submitter. Criteria: ACMG Guidelines, 2007. Collection method: clinical testing. Allele origin: germline. Inheritance: Autosomal recessive inheritance.

PreventionGenetics, part of Exact Sciences
Classification: Likely benign for CEP152-related condition. Last evaluated: 2019-06-13. Review status: no assertion criteria provided. Collection method: clinical testing. Allele origin: germline. Not counted in ClinVar's aggregate classification.
Comment: This variant is classified as likely benign based on ACMG/AMP sequence variant interpretation guidelines (Richards et al. 2015 PMID: 25741868, with internal and published modifications).

Dr. Peter K. Rogan Lab, Western University
No classification provided (evidence only). Condition: Gastric cancer. Review status: no classification provided. Collection method: in vitro. Allele origin: not applicable. Functional consequence: retained intron. Not counted in ClinVar's aggregate classification.